The following is an entry in ClinVar:

ClinVar aggregate classification (germline): Conflicting classifications of pathogenicity. Review status: criteria provided, conflicting classifications (1 of 4 stars). 3 submissions from 3 submitters: Uncertain significance (2); Likely benign (1). Last evaluated 2024-04-26.

Conditions:
Inborn genetic diseases. Identifiers: MedGen C0950123, MeSH D030342.

Allele frequency attached by ClinVar (database versions not stated): gnomAD exomes 0.00005 and 0.00021; TOPMed 0.00014; 1000 Genomes Project 30x 0.00016; gnomAD 0.00016 and 0.00017; 1000 Genomes Project 0.00020; ExAC 0.00022.
gnomAD v4.1: 95 of 1,598,352 alleles (0.0059%); highest among the groups gnomAD compares: Admixed American, 0.12%; 1 homozygote.

Submissions (3):

Ambry Genetics
Classification: Likely benign for Inborn genetic diseases. Last evaluated: 2024-04-26. Review status: criteria provided, single submitter. Criteria: Ambry Variant Classification Scheme 2023. Collection method: clinical testing. Allele origin: germline.

GeneDx
Classification: Uncertain significance. Last evaluated: 2023-11-18. Review status: criteria provided, single submitter. Criteria: GeneDx Variant Classification Process June 2021. Collection method: clinical testing. Allele origin: germline. Affected: yes.
Comment: In silico analysis supports that this missense variant does not alter protein structure/function; Has not been previously published as pathogenic or benign to our knowledge

Labcorp Genetics (formerly Invitae), Labcorp
Classification: Uncertain significance. Last evaluated: 2022-08-20. Review status: criteria provided, single submitter. Criteria: Invitae Variant Classification Sherloc (09022015). Collection method: clinical testing. Allele origin: germline.
Comment: This sequence change replaces alanine, which is neutral and non-polar, with valine, which is neutral and non-polar, at codon 1280 of the MCM3AP protein (p.Ala1280Val). This variant is present in population databases (rs535949676, gnomAD 0.1%). This variant has not been reported in the literature in individuals affected with MCM3AP-related conditions. ClinVar contains an entry for this variant (Variation ID: 1413181). Algorithms developed to predict the effect of missense changes on protein structure and function output the following: SIFT: "Tolerated"; PolyPhen-2: "Benign"; Align-GVGD: "Class C0". The valine amino acid residue is found in multiple mammalian species, which suggests that this missense change does not adversely affect protein function. Algorithms developed to predict the effect of sequence changes on RNA splicing suggest that this variant may create or strengthen a splice site. In summary, the available evidence is currently insufficient to determine the role of this variant in disease. Therefore, it has been classified as a Variant of Uncertain Significance.

NM_003906.5(MCM3AP):c.3839C>T (p.Ala1280Val)

Gene: MCM3AP (minichromosome maintenance complex component 3 associated protein; minus strand). Cytogenetic location: 21q22.3.
Variant type: single nucleotide variant.
Coding change: c.3839C>T on transcript NM_003906.5 (MANE Select); coding-DNA position 3839, C replaced by T.
Protein change: p.Ala1280Val; replaces alanine 1280 with valine.
Molecular consequence: missense variant.
Genome position (GRCh38, 1-based): chr21:46,256,882, G>A on the plus strand (C>T on the coding strand, the complement: MCM3AP is on the minus strand). VCF-style: chr21-46256882-G-A. GRCh37 (hg19) VCF-style: chr21-47676796-G-A.
Other names: c.3839C>T (NM_003906.3, NM_003906.4); short protein forms A1280V.
Identifiers: ClinVar variation 1413181 (VCV001413181.7), dbSNP rs535949676, ClinGen allele CA10076351.